The following is an entry in ClinVar:

NM_001365951.3(KIF1B):c.2527G>A (p.Glu843Lys)

Gene: KIF1B (kinesin family member 1B; plus strand). Cytogenetic location: 1p36.22.
Variant type: single nucleotide variant.
Coding change: c.2527G>A on transcript NM_001365951.3 (MANE Select); coding-DNA position 2527, G replaced by A.
Protein change: p.Glu843Lys; replaces glutamic acid 843 with lysine.
Molecular consequence: missense variant.
Genome position (GRCh38, 1-based): chr1:10,324,052, G>A. VCF-style: chr1-10324052-G-A. GRCh37 (hg19) VCF-style: chr1-10384110-G-A.
Other names: c.2527G>A, p.Glu843Lys (NM_001365952.1); c.2389G>A, p.Glu797Lys (NM_015074.3); short protein forms E843K, E797K.
Identifiers: ClinVar variation 4043076 (VCV004043076.1).
Genomic context (GRCh38, chr1:10,324,052, plus strand): 5'-ACAGTGGTAGCAGTAGAAGTCCAGGATTTGAAGAATGGAGCAACACACTATTGGTCTTTG[G>A]AGAAACTCAAGTATGAAAACATTCATAAAGGCTGGTTGTTTTATTTAGGAAATAACAATG-3'
Protein context (NP_001352880.1, residues 833-853): KNGATHYWSL[Glu843Lys]KLKQRLDLMR

ClinVar aggregate classification (germline): Uncertain significance (1 of 4 stars; one submission).

Submission:

Ambry Genetics
Classification: Uncertain significance. Last evaluated: 2025-03-20. Review status: criteria provided, single submitter. Criteria: Ambry Variant Classification Scheme 2023. Collection method: clinical testing. Allele origin: germline.
Comment: The p.E797K variant (also known as c.2389G>A), located in coding exon 22 of the KIF1B gene, results from a G to A substitution at nucleotide position 2389. The glutamic acid at codon 797 is replaced by lysine, an amino acid with similar properties. This amino acid position is conserved. In addition, the in silico prediction for this alteration is inconclusive. Based on the available evidence, the clinical significance of this variant remains unclear.